The following is an entry in ClinVar:

NM_152381.6(XIRP2):c.8689A>C (p.Lys2897Gln)

Gene: XIRP2 (xin actin binding repeat containing 2; plus strand). Cytogenetic location: 2q24.3.
Variant type: single nucleotide variant.
Coding change: c.8689A>C on transcript NM_152381.6 (MANE Select); coding-DNA position 8689, A replaced by C.
Protein change: p.Lys2897Gln; replaces lysine 2897 with glutamine.
Molecular consequence: missense variant. On other transcripts: intron variant (3).
Genome position (GRCh38, 1-based): chr2:167,250,081, A>C. VCF-style: chr2-167250081-A-C. GRCh37 (hg19) VCF-style: chr2-168106591-A-C.
Other names: c.8023A>C, p.Lys2675Gln (NM_001199144.2); c.1276-3951A>C (NM_001199143.2); c.1177-3951A>C (NM_001079810.4); c.511-3951A>C (NM_001199145.2); short protein forms K2675Q, K2897Q.
Identifiers: ClinVar variation 3049185 (VCV003049185.2), dbSNP rs199968327, ClinGen allele CA1947873.

ClinVar aggregate classification (germline): Benign (0 of 4 stars; one submission).

Conditions:
XIRP2-related disorder. Also called: XIRP2-related condition.

Allele frequency attached by ClinVar (database versions not stated): TOPMed 0.00007; gnomAD 0.00038; gnomAD exomes 0.00066; ExAC 0.00157; 1000 Genomes Project 30x 0.00328; 1000 Genomes Project 0.00399.
gnomAD v4.1: 1,031 of 1,613,562 alleles (0.064%); highest among the groups gnomAD compares: South Asian, 1.1%; 16 homozygotes.

Submission:

PreventionGenetics, part of Exact Sciences
Classification: Benign for XIRP2-related condition. Last evaluated: 2020-03-09. Review status: no assertion criteria provided. Collection method: clinical testing. Allele origin: germline.
Comment: This variant is classified as benign based on ACMG/AMP sequence variant interpretation guidelines (Richards et al. 2015 PMID: 25741868, with internal and published modifications).